The following is an entry in ClinVar:

NM_007254.4(PNKP):c.1298+20G>T

Gene: PNKP (polynucleotide kinase 3'-phosphatase; minus strand). Cytogenetic location: 19q13.33.
Variant type: single nucleotide variant.
Coding change: c.1298+20G>T on transcript NM_007254.4 (MANE Select); 20 bases into the intron after coding-DNA position 1298, G replaced by T.
Molecular consequence: intron variant.
Genome position (GRCh38, 1-based): chr19:49,861,752, C>A on the plus strand (G>T on the coding strand, the complement: PNKP is on the minus strand). VCF-style: chr19-49861752-C-A. GRCh37 (hg19) VCF-style: chr19-50365009-C-A.
Identifiers: ClinVar variation 681366 (VCV000681366.2), dbSNP rs765634741, ClinGen allele CA633894503.

ClinVar aggregate classification (germline): Likely benign. Review status: criteria provided, multiple submitters, no conflicts (2 of 4 stars). 2 submissions from 2 submitters: Likely benign (2). Last evaluated 2025-11-24.

Conditions:
Developmental and epileptic encephalopathy, 12 (DEE12). Identifiers: MedGen C3150988, MONDO:0013389, OMIM 613722.

Allele frequency attached by ClinVar (database versions not stated): gnomAD 0.00001.
gnomAD v4.1: 9 of 1,559,046 alleles (0.00058%); highest among the groups gnomAD compares: Non-Finnish European, 0.00017%; no homozygotes.

Submissions (2):

Labcorp Genetics (formerly Invitae), Labcorp
Classification: Likely benign for Developmental and epileptic encephalopathy, 12. Last evaluated: 2025-11-24. Review status: criteria provided, single submitter. Criteria: Invitae Variant Classification Sherloc (09022015). Collection method: clinical testing. Allele origin: germline.

GeneDx
Classification: Likely benign. Last evaluated: 2018-04-02. Review status: criteria provided, single submitter. Criteria: GeneDx Variant Classification (06012015). Collection method: clinical testing. Allele origin: germline. Affected: yes.
Comment: This variant is considered likely benign or benign based on one or more of the following criteria: it is a conservative change, it occurs at a poorly conserved position in the protein, it is predicted to be benign by multiple in silico algorithms, and/or has population frequency not consistent with disease.